The following is an entry in ClinVar:

ClinVar aggregate classification (germline): Uncertain significance (1 of 4 stars; one submission).

Conditions:
Thrombophilia due to protein S deficiency, autosomal recessive (THPH6). Identifiers: Orphanet 743, MedGen C3281092, MONDO:0013791, OMIM 614514. Disease mechanism: loss of function.

gnomAD v4.1: 4 of 1,613,468 alleles (0.00025%); highest among the groups gnomAD compares: Non-Finnish European, 0.00034%; no homozygotes.

Submission:

Labcorp Genetics (formerly Invitae), Labcorp
Classification: Uncertain significance for Thrombophilia due to protein S deficiency, autosomal recessive. Last evaluated: 2025-12-23. Review status: criteria provided, single submitter. Criteria: Invitae Variant Classification Sherloc (09022015). Collection method: clinical testing. Allele origin: germline.
Comment: This sequence change replaces proline, which is neutral and non-polar, with threonine, which is neutral and polar, at codon 108 of the PROS1 protein (p.Pro108Thr). This variant is not present in population databases (gnomAD no frequency). This variant has not been reported in the literature in individuals affected with PROS1-related conditions. An algorithm developed to predict the effect of missense changes on protein structure and function outputs the following: PolyPhen-2: "Benign". The threonine amino acid residue is found in multiple mammalian species, which suggests that this missense change does not adversely affect protein function. In summary, the available evidence is currently insufficient to determine the role of this variant in disease. Therefore, it has been classified as a Variant of Uncertain Significance.

NM_000313.4(PROS1):c.322C>A (p.Pro108Thr)

Gene: PROS1 (protein S; minus strand). Cytogenetic location: 3q11.1.
Variant type: single nucleotide variant.
Coding change: c.322C>A on transcript NM_000313.4 (MANE Select); coding-DNA position 322, C replaced by A.
Protein change: p.Pro108Thr; replaces proline 108 with threonine.
Molecular consequence: missense variant.
Genome position (GRCh38, 1-based): chr3:93,910,643, G>T on the plus strand (C>A on the coding strand, the complement: PROS1 is on the minus strand). VCF-style: chr3-93910643-G-T. GRCh37 (hg19) VCF-style: chr3-93629487-G-T.
Other names: c.418C>A, p.Pro140Thr (NM_001314077.2); short protein forms P140T, P108T.
Identifiers: ClinVar variation 4749133 (VCV004749133.1).